The following is an entry in ClinVar:

ClinVar aggregate classification (germline): Pathogenic/Likely pathogenic. Review status: criteria provided, multiple submitters, no conflicts (2 of 4 stars). 4 submissions from 4 submitters: Pathogenic (2); Likely pathogenic (2). Last evaluated 2025-03-26.

Conditions:
Long QT syndrome (LQTS). Identifiers: MedGen C0023976, MeSH D008133, MONDO:0002442. Disease mechanism: loss of function. Inheritance: Various modes of inheritance.
Cardiovascular phenotype. Identifiers: MedGen CN230736.

Submissions (4):

Mayo Clinic Laboratories, Mayo Clinic
Classification: Likely pathogenic. Last evaluated: 2025-03-26. Review status: criteria provided, single submitter. Criteria: ACMG Guidelines, 2015. Collection method: clinical testing. Allele origin: germline. Observed: 1 variant allele.
Comment: PM2_supporting, PVS1

Labcorp Genetics (formerly Invitae), Labcorp
Classification: Pathogenic for Long QT syndrome. Last evaluated: 2025-01-11. Review status: criteria provided, single submitter. Criteria: Invitae Variant Classification Sherloc (09022015). Collection method: clinical testing. Allele origin: germline.
Comment: This sequence change creates a premature translational stop signal (p.Gly921Alafs*53) in the KCNH2 gene. It is expected to result in an absent or disrupted protein product. Loss-of-function variants in KCNH2 are known to be pathogenic (PMID: 10973849, 19862833). This variant is not present in population databases (gnomAD no frequency). This premature translational stop signal has been observed in individual(s) with long QT syndrome (PMID: 10973849, 15840476). ClinVar contains an entry for this variant (Variation ID: 653333). For these reasons, this variant has been classified as Pathogenic.

Ambry Genetics
Classification: Pathogenic for Cardiovascular phenotype. Last evaluated: 2022-04-19. Review status: criteria provided, single submitter. Criteria: Ambry Variant Classification Scheme 2023. Collection method: clinical testing. Allele origin: germline.
Comment: The c.2762delG pathogenic mutation, located in coding exon 12 of the KCNH2 gene, results from a deletion of one nucleotide at nucleotide position 2762, causing a translational frameshift with a predicted alternate stop codon (p.G921Afs*53). This variant (also described as p.R920fs*51) has been reported in individuals with long QT syndrome, although clinical details were limited (Splawski I et al. Circulation, 2000 Sep;102:1178-85; Tester DJ et al. Heart Rhythm, 2005 May;2:507-17). This variant is considered to be rare based on population cohorts in the Genome Aggregation Database (gnomAD). In addition to the clinical data presented in the literature, this alteration is expected to result in loss of function by premature protein truncation or nonsense-mediated mRNA decay. As such, this alteration is interpreted as a disease-causing mutation.

GeneDx
Classification: Likely pathogenic. Last evaluated: 2020-08-26. Review status: criteria provided, single submitter. Criteria: GeneDx Variant Classification Process June 2021. Collection method: clinical testing. Allele origin: germline. Affected: yes.
Comment: Reported in association with LQTS in the published literature (Splawski et al., 2000; Tester et al., 2005); Not observed in large population cohorts (Lek et al., 2016); Reported in ClinVar (ClinVar Variant ID# 653333; Landrum et al., 2016); Frameshift variant predicted to result in protein truncation or nonsense mediated decay in a gene for which loss-of-function is a known mechanism of disease; This variant is associated with the following publications: (PMID: 31447099, 15840476, 10973849)

Literature cited by the submitters: PubMed 10973849 (cited by 3 submitters); PubMed 15840476 (cited by 3 submitters); PubMed 19862833 (cited by Mayo Clinic Laboratories, Mayo Clinic and Labcorp Genetics (formerly Invitae), Labcorp); PubMed 31447099 (cited by Mayo Clinic Laboratories, Mayo Clinic); PubMed 34930020 (cited by Mayo Clinic Laboratories, Mayo Clinic).

NM_000238.4(KCNH2):c.2762del (p.Gly921fs)

Gene: KCNH2 (potassium voltage-gated channel subfamily H member 2; minus strand). Cytogenetic location: 7q36.1.
Variant type: Deletion.
Coding change: c.2762del on transcript NM_000238.4 (MANE Select); coding-DNA position 2762, one base deleted (G; older notation c.2762delG).
Protein change: p.Gly921fs; shifts the reading frame from glycine 921.
Molecular consequence: frameshift variant.
Genome position (GRCh38, 1-based): chr7:150,947,809, C deleted on the plus strand (G on the coding strand, the reverse complement: KCNH2 is on the minus strand); the first of 4 consecutive C bases (chr7:150,947,809-150,947,812); deleting any one gives the same sequence. VCF-style (leftmost placement, unchanged base first): chr7-150947808-GC-G. GRCh37 (hg19) VCF-style: chr7-150644896-GC-G.
Other names: p.Gly921Alafs*53; c.2762delG (NM_000238.3); c.1742del, p.Gly581fs (NM_172057.3); short protein forms G921fs, G581fs.
Identifiers: ClinVar variation 653333 (VCV000653333.14), dbSNP rs1584845263, ClinGen allele CA658761320.